The following is an entry in ClinVar:

NM_001365088.1(SLC12A6):c.691-2A>C

Gene: SLC12A6 (solute carrier family 12 member 6; minus strand). Cytogenetic location: 15q14.
Variant type: single nucleotide variant.
Coding change: c.691-2A>C on transcript NM_001365088.1 (MANE Select); the canonical splice acceptor site of the intron before coding-DNA position 691, A replaced by C.
Molecular consequence: splice acceptor variant.
Genome position (GRCh38, 1-based): chr15:34,256,285, T>G on the plus strand (A>C on the coding strand, the complement: SLC12A6 is on the minus strand). VCF-style: chr15-34256285-T-G. GRCh37 (hg19) VCF-style: chr15-34548486-T-G.
Other names: c.514-2A>C (NM_001042495.2, NM_001042494.2); c.664-2A>C (NM_001042496.2); c.646-2A>C (NM_001042497.2); c.691-2A>C (NM_133647.2); c.538-2A>C (NM_005135.2).
Identifiers: ClinVar variation 2824258 (VCV002824258.3), dbSNP rs2140734972, ClinGen allele CA391611494.
Genomic context (GRCh38, chr15:34,256,285, plus strand): 5'-TAACCTGGCACCACTCCATTAGTGGCAATGGCACTCATGGAGATAGCAGTCAACATTGTC[T>G]GCAGAGAAAAGGAAAGGAGAGGATTGTTACTGTGTAAAGATGACATTTCTATACTACTTC-3'

ClinVar aggregate classification (germline): Likely pathogenic (1 of 4 stars; one submission).

Submission:

Labcorp Genetics (formerly Invitae), Labcorp
Classification: Likely pathogenic. Last evaluated: 2023-02-23. Review status: criteria provided, single submitter. Criteria: Invitae Variant Classification Sherloc (09022015). Collection method: clinical testing. Allele origin: germline.
Comment: This variant is not present in population databases (gnomAD no frequency). This variant has not been reported in the literature in individuals affected with SLC12A6-related conditions. Algorithms developed to predict the effect of sequence changes on RNA splicing suggest that this variant may disrupt the consensus splice site. In summary, the currently available evidence indicates that the variant is pathogenic, but additional data are needed to prove that conclusively. Therefore, this variant has been classified as Likely Pathogenic. This sequence change affects an acceptor splice site in intron 5 of the SLC12A6 gene. It is expected to disrupt RNA splicing. Variants that disrupt the donor or acceptor splice site typically lead to a loss of protein function (PMID: 16199547), and loss-of-function variants in SLC12A6 are known to be pathogenic (PMID: 12368912, 16606917).

Literature cited by the submitters: PubMed 16199547; PubMed 12368912; PubMed 16606917.